The following is an entry in ClinVar:

NM_002834.5(PTPN11):c.409del (p.Val137fs)

Gene: PTPN11 (protein tyrosine phosphatase non-receptor type 11; plus strand). Cytogenetic location: 12q24.13.
Variant type: Deletion.
Coding change: c.409del on transcript NM_002834.5 (MANE Select); coding-DNA position 409, one base deleted (G; older notation c.409delG).
Protein change: p.Val137fs; shifts the reading frame from valine 137.
Molecular consequence: frameshift variant.
Genome position (GRCh38, 1-based): chr12:112,453,271, G deleted. VCF-style (leftmost placement, unchanged base first): chr12-112453270-TG-T. GRCh37 (hg19) VCF-style: chr12-112891074-TG-T.
Other names: c.409del, p.Val137fs (NM_001330437.2, NM_080601.3); c.406del, p.Val136fs (NM_001374625.1); short protein forms V137fs, V136fs.
Identifiers: ClinVar variation 961562 (VCV000961562.7), dbSNP rs2038103354, ClinGen allele CA1139662889.

ClinVar aggregate classification (germline): Pathogenic (1 of 4 stars; one submission).

Conditions:
RASopathy. Also called: rasopathies; Noonan spectrum disorder. Identifiers: Orphanet 536391, MedGen C5555857, MONDO:0021060.

Submission:

Labcorp Genetics (formerly Invitae), Labcorp
Classification: Pathogenic for RASopathy. Last evaluated: 2019-11-13. Review status: criteria provided, single submitter. Criteria: Invitae Variant Classification Sherloc (09022015). Collection method: clinical testing. Allele origin: germline.
Comment: This sequence change creates a premature translational stop signal (p.Val137Tyrfs*31) in the PTPN11 gene. It is expected to result in an absent or disrupted protein product. For these reasons, this variant has been classified as Pathogenic. Loss-of-function variants in PTPN11 are known to be pathogenic (PMID: 20577567, 21533187). This variant has not been reported in the literature in individuals with PTPN11-related conditions. This variant is not present in population databases (ExAC no frequency).

Literature cited by the submitters: PubMed 20577567; PubMed 21533187.